The following is an entry in ClinVar:

NM_002335.4(LRP5):c.518C>T (p.Thr173Met)

Gene: LRP5 (LDL receptor related protein 5; plus strand). Cytogenetic location: 11q13.2.
Variant type: single nucleotide variant.
Coding change: c.518C>T on transcript NM_002335.4 (MANE Select); coding-DNA position 518, C replaced by T.
Protein change: p.Thr173Met; replaces threonine 173 with methionine.
Molecular consequence: missense variant. On other transcripts: 5 prime UTR variant (1).
Genome position (GRCh38, 1-based): chr11:68,357,679, C>T. VCF-style: chr11-68357679-C-T. GRCh37 (hg19) VCF-style: chr11-68125147-C-T.
Other names: c.-1248C>T (NM_001291902.2); short protein forms T173M.
Identifiers: ClinVar variation 669010 (VCV000669010.14), dbSNP rs80358306, ClinGen allele CA6149038.
Genomic context (GRCh38, chr11:68,357,679, plus strand): 5'-AGCTGCTTCTCTTGCCCTGCCCCCGTCACAGGTACATGTACTGGACAGACTGGGGTGAGA[C>T]GCCCCGGATTGAGCGGGCAGGGATGGATGGCAGCACCCGGAAGATCATTGTGGACTCGGA-3'
Protein context (NP_002326.2, residues 163-183): GYMYWTDWGE[Thr173Met]PRIERAGMDG

ClinVar aggregate classification (germline): Conflicting classifications of pathogenicity. Review status: criteria provided, conflicting classifications (1 of 4 stars). 5 submissions from 5 submitters: Uncertain significance (1); Likely benign (3). 1 of the submissions does not count toward it. Last evaluated 2026-01-26.

Conditions:
Inborn genetic diseases. Identifiers: MedGen C0950123, MeSH D030342.
LRP5-related disorder. Also called: LRP5-related condition.

Allele frequency attached by ClinVar (database versions not stated): 1000 Genomes Project 30x 0.00016; 1000 Genomes Project 0.00020; gnomAD exomes 0.00021 and 0.00039; ExAC 0.00039; TOPMed 0.00045; gnomAD 0.00049 and 0.00054; ESP Exome Variant Server 0.00062.
gnomAD v4.1: 409 of 1,614,100 alleles (0.025%); highest among the groups gnomAD compares: East Asian, 0.087%; 1 homozygote.

Submissions (5):

Labcorp Genetics (formerly Invitae), Labcorp
Classification: Likely benign. Last evaluated: 2026-01-26. Review status: criteria provided, single submitter. Criteria: Invitae Variant Classification Sherloc (09022015). Collection method: clinical testing. Allele origin: germline.

Ambry Genetics
Classification: Uncertain significance for Inborn genetic diseases. Last evaluated: 2025-04-18. Review status: criteria provided, single submitter. Criteria: Ambry Variant Classification Scheme 2023. Collection method: clinical testing. Allele origin: germline.

Blueprint Genetics
Classification: Likely benign. Last evaluated: 2024-09-14. Review status: criteria provided, single submitter. Criteria: ACMG Guidelines, 2015. Collection method: clinical testing. Allele origin: germline.

GeneDx
Classification: Likely benign. Last evaluated: 2020-06-09. Review status: criteria provided, single submitter. Criteria: GeneDx Variant Classification Process June 2021. Collection method: clinical testing. Allele origin: germline. Affected: yes.
Comment: Reported previously in association with familial exudative vitreoretinopathy, but the variant was inherited from an unaffected parent (Toomes et al., 2004; Li et al., 2018); Published functional studies demonstrate no damaging effect (Ai et al., 2005); This variant is associated with the following publications: (PMID: 22995991, 15923613, 16252235, 26348019, 15024691, 20340138, 24715757, 30452590)

PreventionGenetics, part of Exact Sciences
Classification: Uncertain significance for LRP5-related condition. Last evaluated: 2024-08-13. Review status: no assertion criteria provided. Collection method: clinical testing. Allele origin: germline. Not counted in ClinVar's aggregate classification.
Comment: The LRP5 c.518C>T variant is predicted to result in the amino acid substitution p.Thr173Met. This variant has been reported in two individuals with familial exudative vitreoretinopathy (Toomes et al. 2004. PubMed ID: 15024691; Li et al. 2018. PubMed ID: 30452590), and in an individual with high bone mass (Gregson et al. 2015. PubMed ID: 26348019). However, this variant is reported in 0.15% of alleles in individuals of East Asian descent in gnomAD, including 1 homozygous individual in the newest dataset. Therefore, although we suspect that this variant may be benign, at this time, the clinical significance of this variant is uncertain due to the absence of conclusive functional and genetic evidence.

Literature cited by the submitters: PubMed 15024691 (cited by Ambry Genetics); PubMed 20045498 (cited by Ambry Genetics); PubMed 26348019 (cited by Ambry Genetics); PubMed 30452590 (cited by Ambry Genetics); PubMed 32483926 (cited by Ambry Genetics); PubMed 35876299 (cited by Ambry Genetics).